The following is an entry in ClinVar:

NM_001048174.2(MUTYH):c.514C>G (p.His172Asp)

Gene: MUTYH (mutY DNA glycosylase; minus strand). Cytogenetic location: 1p34.1.
Variant type: single nucleotide variant.
Coding change: c.514C>G on transcript NM_001048174.2 (MANE Select); coding-DNA position 514, C replaced by G.
Protein change: p.His172Asp; replaces histidine 172 with aspartic acid.
Molecular consequence: missense variant. On other transcripts: non-coding transcript variant (7).
Genome position (GRCh38, 1-based): chr1:45,332,666, G>C on the plus strand (C>G on the coding strand, the complement: MUTYH is on the minus strand). VCF-style: chr1-45332666-G-C. GRCh37 (hg19) VCF-style: chr1-45798338-G-C.
Other names: c.598C>G, p.His200Asp (NM_001128425.2); c.559C>G, p.His187Asp (NM_001293190.2); c.547C>G, p.His183Asp (NM_001293191.2, NM_001407069.1, NM_001407077.1); c.238C>G, p.His80Asp (NM_001293192.2, NM_001293196.2, NM_001407091.1); c.514C>G, p.His172Asp (NM_001293195.2, NM_001407081.1, NM_001407088.1 and 6 more transcripts); c.169C>G, p.His57Asp (NM_001350650.2, NM_001407082.1, NM_001350651.2); c.472C>G, p.His158Asp (NM_001407080.1); c.556C>G, p.His186Asp (NM_001407083.1, NM_001407085.1); and 5 more; short protein forms H179D, H172D, H173D, H197D, H144D, H158D, H159D, H187D.
Identifiers: ClinVar variation 4113748 (VCV004113748.1).
Genomic context (GRCh38, chr1:45,332,666, plus strand): 5'-CTGTGTAGCGCCCCACGCCAGGCAGGAGCTGCTGCAGGGTCTCTGCTGTACGTGGCATGT[G>C]GCCCCCTAGCTCCTCTACCACCTGATTGGAGTGCAAGACTCAAGATTATAAGACACCCAA-3'
Protein context (NP_001041639.1, residues 162-182): ARKVVEELGG[His172Asp]MPRTAETLQQ

ClinVar aggregate classification (germline): Uncertain significance (1 of 4 stars; one submission).

Conditions:
Hereditary cancer-predisposing syndrome. Also called: Hereditary neoplastic syndrome; Neoplastic Syndromes, Hereditary; Tumor predisposition; Hereditary Cancer Syndrome. Identifiers: Orphanet 140162, MedGen C0027672, MeSH D009386, MONDO:0015356.

Submission:

Ambry Genetics
Classification: Uncertain significance for Hereditary cancer-predisposing syndrome. Last evaluated: 2025-08-27. Review status: criteria provided, single submitter. Criteria: Ambry Variant Classification Scheme 2023. Collection method: clinical testing. Allele origin: germline.
Comment: The p.H200D variant (also known as c.598C>G), located in coding exon 8 of the MUTYH gene, results from a C to G substitution at nucleotide position 598. The histidine at codon 200 is replaced by aspartic acid, an amino acid with similar properties. This amino acid position is conserved. In addition, the in silico prediction for this alteration is inconclusive. Based on the available evidence, the clinical significance of this variant remains unclear.